The following is an entry in ClinVar:

NM_005915.6(MCM6):c.254+6G>A

Gene: MCM6 (minichromosome maintenance complex component 6; minus strand). Cytogenetic location: 2q21.3.
Variant type: single nucleotide variant.
Coding change: c.254+6G>A on transcript NM_005915.6 (MANE Select); 6 bases into the intron after coding-DNA position 254, G replaced by A.
Molecular consequence: intron variant.
Genome position (GRCh38, 1-based): chr2:135,872,691, C>T on the plus strand (G>A on the coding strand, the complement: MCM6 is on the minus strand). VCF-style: chr2-135872691-C-T. GRCh37 (hg19) VCF-style: chr2-136630261-C-T.
Identifiers: ClinVar variation 3038474 (VCV003038474.2), dbSNP rs140626674, ClinGen allele CA1889347.

ClinVar aggregate classification (germline): Likely benign (0 of 4 stars; one submission).

Conditions:
MCM6-related disorder. Also called: MCM6-related condition.

Allele frequency attached by ClinVar (database versions not stated): gnomAD 0.00023; TOPMed 0.00025; gnomAD exomes 0.00028; ExAC 0.00037; 1000 Genomes Project 0.00120; 1000 Genomes Project 30x 0.00141.
gnomAD v4.1: 453 of 1,613,774 alleles (0.028%); highest among the groups gnomAD compares: East Asian, 0.92%; 5 homozygotes.

Submission:

PreventionGenetics, part of Exact Sciences
Classification: Likely benign for MCM6-related condition. Last evaluated: 2019-05-24. Review status: no assertion criteria provided. Collection method: clinical testing. Allele origin: germline.
Comment: This variant is classified as likely benign based on ACMG/AMP sequence variant interpretation guidelines (Richards et al. 2015 PMID: 25741868, with internal and published modifications).